The following is an entry in ClinVar:

NM_002227.4(JAK1):c.1826_1828del (p.Glu609del)

Genes: JAK1 (Janus kinase 1; minus strand), LOC126805749 (BRD4-independent group 4 enhancer GRCh37_chr1:65312286-65313485; plus strand). Cytogenetic location: 1p31.3.
Variant type: Deletion.
Coding change: c.1826_1828del on transcript NM_002227.4 (MANE Select); coding-DNA positions 1826 to 1828, 3 bases deleted (AAG; older notation c.1826_1828delAAG).
Protein change: p.Glu609del; deletes glutamic acid 609.
Molecular consequence: inframe deletion.
Genome position (GRCh38, 1-based): chr1:64,847,603-64,847,605, CTT deleted on the plus strand (AAG on the coding strand, the reverse complement: JAK1 is on the minus strand); deleting any 3 consecutive bases within chr1:64,847,603-64,847,606 gives the same sequence; the c. name uses the placement nearest the transcript's 3' end. VCF-style (leftmost placement, unchanged base first): chr1-64847602-CCTT-C. GRCh37 (hg19) VCF-style: chr1-65313285-CCTT-C.
Other names: c.1826_1828del, p.Glu609del (NM_001320923.2, NM_001321852.2, NM_001321853.2 and 3 more transcripts); c.1823_1825del, p.Glu608del (NM_001321857.2); short protein forms E608del, E609del.
Identifiers: ClinVar variation 2021743 (VCV002021743.4), dbSNP rs1452493536, ClinGen allele CA523590233.
Genomic context (GRCh38, chr1:64,847,602, plus strand): 5'-TCCCTGTGGCTGGGGTCTAAGACTTTGAGGATCACTTTTATCTTCTTCTCTTCAGAAGTT[CCTT>C]CGTCATCCTTGTAATCCATCAGGGTCCCAGAATAGATGTGTGTTCTCGTGCCTCTCCCAA-3'

ClinVar aggregate classification (germline): Uncertain significance (1 of 4 stars; one submission).

Submission:

Labcorp Genetics (formerly Invitae), Labcorp
Classification: Uncertain significance. Last evaluated: 2022-08-17. Review status: criteria provided, single submitter. Criteria: Invitae Variant Classification Sherloc (09022015). Collection method: clinical testing. Allele origin: germline.
Comment: In summary, the available evidence is currently insufficient to determine the role of this variant in disease. Therefore, it has been classified as a Variant of Uncertain Significance. Experimental studies and prediction algorithms are not available or were not evaluated, and the functional significance of this variant is currently unknown. This variant has not been reported in the literature in individuals affected with JAK1-related conditions. This variant is present in population databases (no rsID available, gnomAD 0.01%). This variant, c.1826_1828del, results in the deletion of 1 amino acid(s) of the JAK1 protein (p.Glu609del), but otherwise preserves the integrity of the reading frame.